The following is an entry in ClinVar:

ClinVar aggregate classification (germline): Uncertain significance (1 of 4 stars; one submission).

Conditions:
Inborn genetic diseases. Identifiers: MedGen C0950123, MeSH D030342.

Submission:

Ambry Genetics
Classification: Uncertain significance for Inborn genetic diseases. Last evaluated: 2026-05-24. Review status: criteria provided, single submitter. Criteria: Ambry Variant Classification Scheme 2023. Collection method: clinical testing. Allele origin: germline.
Comment: The p.R9L variant (also known as c.26G>T), located in coding exon 1 of the GATA2 gene, results from a G to T substitution at nucleotide position 26. The arginine at codon 9 is replaced by leucine, an amino acid with dissimilar properties. This amino acid position is conserved. In addition, this alteration is predicted to be deleterious by in silico analysis. Based on the available evidence, the clinical significance of this variant remains unclear.

NM_032638.5(GATA2):c.26G>T (p.Arg9Leu)

Gene: GATA2 (GATA binding protein 2; minus strand). Cytogenetic location: 3q21.3.
Variant type: single nucleotide variant.
Coding change: c.26G>T on transcript NM_032638.5 (MANE Select); coding-DNA position 26, G replaced by T.
Protein change: p.Arg9Leu; replaces arginine 9 with leucine.
Molecular consequence: missense variant.
Genome position (GRCh38, 1-based): chr3:128,487,006, C>A on the plus strand (G>T on the coding strand, the complement: GATA2 is on the minus strand). VCF-style: chr3-128487006-C-A. GRCh37 (hg19) VCF-style: chr3-128205849-C-A.
Other names: c.26G>T, p.Arg9Leu (NM_001145662.1, NM_001145661.2); short protein forms R9L.
Identifiers: ClinVar variation 4857877 (VCV004857877.1).